The following is an entry in ClinVar:

ClinVar aggregate classification (germline): Uncertain significance (1 of 4 stars; one submission).

Conditions:
Congenital myotonia, autosomal dominant form (THD). Also called: THOMSEN DISEASE; Myotonia congenita autosomal dominant. Identifiers: Orphanet 614, MedGen C2936781, MONDO:0008055, OMIM 160800.
Congenital myotonia, autosomal recessive form. Also called: BECKER DISEASE; Becker Generalized Myotonia; myotonia congenita, autosomal recessive. Identifiers: Orphanet 614, MedGen C0751360, MONDO:0009715, OMIM 255700.

Allele frequency attached by ClinVar (database versions not stated): gnomAD 0.00001; gnomAD exomes 0.00001.
gnomAD v4.1: 10 of 1,613,620 alleles (0.00062%); highest among the groups gnomAD compares: Admixed American, 0.0017%; no homozygotes.

Submission:

Labcorp Genetics (formerly Invitae), Labcorp
Classification: Uncertain significance for Congenital myotonia, autosomal recessive form; Congenital myotonia, autosomal dominant form. Last evaluated: 2025-02-24. Review status: criteria provided, single submitter. Criteria: Invitae Variant Classification Sherloc (09022015). Collection method: clinical testing. Allele origin: germline.
Comment: This sequence change replaces tryptophan, which is neutral and slightly polar, with arginine, which is basic and polar, at codon 15 of the CLCN1 protein (p.Trp15Arg). This variant is present in population databases (no rsID available, gnomAD 0.003%). This variant has not been reported in the literature in individuals affected with CLCN1-related conditions. ClinVar contains an entry for this variant (Variation ID: 2940227). Invitae Evidence Modeling of protein sequence and biophysical properties (such as structural, functional, and spatial information, amino acid conservation, physicochemical variation, residue mobility, and thermodynamic stability) has been performed for this missense variant. However, the output from this modeling did not meet the statistical confidence thresholds required to predict the impact of this variant on CLCN1 protein function. In summary, the available evidence is currently insufficient to determine the role of this variant in disease. Therefore, it has been classified as a Variant of Uncertain Significance.

NM_000083.3(CLCN1):c.43T>C (p.Trp15Arg)

Gene: CLCN1 (chloride voltage-gated channel 1; plus strand). Cytogenetic location: 7q34.
Variant type: single nucleotide variant.
Coding change: c.43T>C on transcript NM_000083.3 (MANE Select); coding-DNA position 43, T replaced by C.
Protein change: p.Trp15Arg; replaces tryptophan 15 with arginine.
Molecular consequence: missense variant. On other transcripts: non-coding transcript variant (1).
Genome position (GRCh38, 1-based): chr7:143,316,255, T>C. VCF-style: chr7-143316255-T-C. GRCh37 (hg19) VCF-style: chr7-143013348-T-C.
Other names: short protein forms W15R.
Identifiers: ClinVar variation 2940227 (VCV002940227.3), dbSNP rs1194717455, ClinGen allele CA369676576.
Genomic context (GRCh38, chr7:143,316,255, plus strand): 5'-GGCTCGGGGGGAGGGAATATGGAGCAATCCCGGTCACAGCAGCGTGGGGGTGAACAAAGC[T>C]GGTGGGGTAGTGACCCCCAGTACCAGTATATGCCCTTTGAACACTGCACCAGCTACGGAC-3'
Protein context (NP_000074.3, residues 5-25): RSQQRGGEQS[Trp15Arg]WGSDPQYQYM